The following is an entry in ClinVar:

ClinVar aggregate classification (germline): Uncertain significance (1 of 4 stars; one submission).

Submission:

Labcorp Genetics (formerly Invitae), Labcorp
Classification: Uncertain significance. Last evaluated: 2021-02-15. Review status: criteria provided, single submitter. Criteria: Invitae Variant Classification Sherloc (09022015). Collection method: clinical testing. Allele origin: germline.
Comment: In summary, the available evidence is currently insufficient to determine the role of this variant in disease. Therefore, it has been classified as a Variant of Uncertain Significance. This variant has not been reported in the literature in individuals with GNPTG-related conditions. This variant is not present in population databases (ExAC no frequency). This sequence change results in a frameshift in the GNPTG gene (p.Lys290Serfs*44). While this is not anticipated to result in nonsense mediated decay, it is expected to disrupt the last 16 amino acid(s) of the GNPTG protein and extend the protein by 27 additional amino acid residues.

NM_032520.5(GNPTG):c.869del (p.Lys290fs)

Gene: GNPTG (N-acetylglucosamine-1-phosphate transferase subunit gamma; plus strand). Cytogenetic location: 16p13.3.
Variant type: Deletion.
Coding change: c.869del on transcript NM_032520.5 (MANE Select); coding-DNA position 869, one base deleted (A; older notation c.869delA).
Protein change: p.Lys290fs; shifts the reading frame from lysine 290.
Molecular consequence: frameshift variant.
Genome position (GRCh38, 1-based): chr16:1,363,042, A deleted; the last of 2 consecutive A bases (chr16:1,363,041-1,363,042); deleting either gives the same sequence. VCF-style (leftmost placement, unchanged base first): chr16-1363040-CA-C. GRCh37 (hg19) VCF-style: chr16-1413041-CA-C.
Other names: short protein forms K290fs.
Identifiers: ClinVar variation 1372513 (VCV001372513.6), dbSNP rs2141866631, ClinGen allele CA2573151753.
Genomic context (GRCh38, chr16:1,363,040, plus strand): 5'-ACCTGGTGTTTTGGCAGAAACTTCCAACTTGGAGCACTTGGGCCACGAGACGCCCAGAGC[CA>C]AGTCTCCAGAGCAGCTGCGGGGTGACCCAGGACTGCGTGGGAGTTTGTGACCTTGTGGTG-3'